The following is an entry in ClinVar:

ClinVar aggregate classification (germline): Uncertain significance. Review status: criteria provided, multiple submitters, no conflicts (2 of 4 stars). 4 submissions from 4 submitters: Uncertain significance (4). Last evaluated 2026-04-17.

Conditions:
MYO5B-related disorder. Also called: MYO5B-related condition.
Congenital microvillous atrophy (DIAR2). Also called: Diarrhea 2 with microvillus atrophy, with or without cholestasis; Microvillus inclusion disease; CONGENITAL FAMILIAL PROTRACTED DIARRHEA WITH ENTEROCYTE BRUSH-BORDER ABNORMALITIES; DAVIDSON DISEASE; MICROVILLUS ATROPHY, CONGENITAL. Identifiers: Orphanet 2290, MedGen C0341306, MONDO:0009635, OMIM 251850.

Allele frequency attached by ClinVar (database versions not stated): TOPMed 0.00015; 1000 Genomes Project 30x 0.00016; ExAC 0.00017; gnomAD exomes 0.00017 and 0.00045; gnomAD 0.00019 and 0.00020; 1000 Genomes Project 0.00020.
gnomAD v4.1: 681 of 1,614,008 alleles (0.042%); highest among the groups gnomAD compares: Non-Finnish European, 0.056%; 1 homozygote.

Submissions (4):

PreventionGenetics, part of Exact Sciences
Classification: Uncertain significance for MYO5B-related condition. Last evaluated: 2026-04-17. Review status: criteria provided, single submitter. Criteria: ACMG Guidelines, 2015. Collection method: clinical testing. Allele origin: germline.
Comment: The MYO5B c.3647T>G variant is predicted to result in the amino acid substitution p.Leu1216Arg. To our knowledge, this variant has not been reported in the literature. This variant is reported in 0.033% of alleles in individuals of European (Non-Finnish) descent in gnomAD. At this time, the clinical significance of this variant is uncertain due to the absence of conclusive functional and genetic evidence.

Labcorp Genetics (formerly Invitae), Labcorp
Classification: Uncertain significance. Last evaluated: 2024-01-31. Review status: criteria provided, single submitter. Criteria: Invitae Variant Classification Sherloc (09022015). Collection method: clinical testing. Allele origin: germline.
Comment: This sequence change replaces leucine, which is neutral and non-polar, with arginine, which is basic and polar, at codon 1216 of the MYO5B protein (p.Leu1216Arg). This variant is present in population databases (rs201194311, gnomAD 0.03%). This variant has not been reported in the literature in individuals affected with MYO5B-related conditions. ClinVar contains an entry for this variant (Variation ID: 889046). Advanced modeling of protein sequence and biophysical properties (such as structural, functional, and spatial information, amino acid conservation, physicochemical variation, residue mobility, and thermodynamic stability) has been performed at Invitae for this missense variant, however the output from this modeling did not meet the statistical confidence thresholds required to predict the impact of this variant on MYO5B protein function. In summary, the available evidence is currently insufficient to determine the role of this variant in disease. Therefore, it has been classified as a Variant of Uncertain Significance.

GeneDx
Classification: Uncertain significance. Last evaluated: 2019-06-26. Review status: criteria provided, single submitter. Criteria: GeneDx Variant Classification Process June 2021. Collection method: clinical testing. Allele origin: germline. Affected: yes.
Comment: In silico analysis, which includes protein predictors and evolutionary conservation, supports a deleterious effect; Has not been previously published as pathogenic or benign to our knowledge

Illumina Laboratory Services, Illumina
Classification: Uncertain significance for Congenital microvillous atrophy. Last evaluated: 2018-01-13. Review status: criteria provided, single submitter. Criteria: ICSL Variant Classification Criteria 13 December 2019. Collection method: clinical testing. Allele origin: germline.

NM_001080467.3(MYO5B):c.3647T>G (p.Leu1216Arg)

Gene: MYO5B (myosin VB; minus strand). Cytogenetic location: 18q21.1.
Variant type: single nucleotide variant.
Coding change: c.3647T>G on transcript NM_001080467.3 (MANE Select); coding-DNA position 3647, T replaced by G.
Protein change: p.Leu1216Arg; replaces leucine 1216 with arginine.
Molecular consequence: missense variant.
Genome position (GRCh38, 1-based): chr18:49,864,337, A>C on the plus strand (T>G on the coding strand, the complement: MYO5B is on the minus strand). VCF-style: chr18-49864337-A-C. GRCh37 (hg19) VCF-style: chr18-47390707-A-C.
Other names: short protein forms L1216R.
Identifiers: ClinVar variation 889046 (VCV000889046.10), dbSNP rs201194311, ClinGen allele CA8960631.
Genomic context (GRCh38, chr18:49,864,337, plus strand): 5'-GAGCCGTGGCTGGAGTTATTCTGCGTGGCTTGGTCGGCCACGGCTTTCCTCAGCTCATTC[A>C]GGTCATTCTTCAGCTTTTTGTTCTCTGACTCCAGCTCTTGCCTCTGGAAGACAGCCCAAG-3'
Protein context (NP_001073936.1, residues 1206-1226): ESENKKLKND[Leu1216Arg]NELRKAVADQ